The following is an entry in ClinVar:

ClinVar aggregate classification (germline): Uncertain significance (1 of 4 stars; one submission).

Conditions:
Cardiomyopathy (CMYO). Also called: Cardiomyopathies. Identifiers: Orphanet 167848, MedGen C0878544, MONDO:0004994, HP:0001638. Inheritance: Various modes of inheritance.

Allele frequency attached by ClinVar (database versions not stated): gnomAD exomes below 0.00001; TOPMed below 0.00001; gnomAD 0.00001.
gnomAD v4.1: 2 of 1,614,006 alleles (0.00012%); highest among the groups gnomAD compares: Non-Finnish European, 0.00017%; no homozygotes.

Submission:

Color Diagnostics, LLC DBA Color Health
Classification: Uncertain significance for Cardiomyopathy. Last evaluated: 2023-12-05. Review status: criteria provided, single submitter. Criteria: ACMG Guidelines, 2015. Collection method: clinical testing. Allele origin: germline.
Comment: This missense variant replaces methionine with isoleucine at codon 690 of the DSG2 protein. Computational prediction suggests that this variant may not impact protein structure and function (internally defined REVEL score threshold <= 0.5, PMID: 27666373). To our knowledge, functional studies have not been reported for this variant. This variant has not been reported in individuals affected with DSG2-related disorders in the literature. This variant has not been identified in the general population by the Genome Aggregation Database (gnomAD). The available evidence is insufficient to determine the role of this variant in disease conclusively. Therefore, this variant is classified as a Variant of Uncertain Significance.

NM_001943.5(DSG2):c.2070G>A (p.Met690Ile)

Genes: DSG2 (desmoglein 2; plus strand), DSG2-AS1 (DSG2 antisense RNA 1; minus strand). Cytogenetic location: 18q12.1.
Variant type: single nucleotide variant.
Coding change: c.2070G>A on transcript NM_001943.5 (MANE Select); coding-DNA position 2070, G replaced by A.
Protein change: p.Met690Ile; replaces methionine 690 with isoleucine.
Molecular consequence: missense variant.
Genome position (GRCh38, 1-based): chr18:31,542,588, G>A. VCF-style: chr18-31542588-G-A. GRCh37 (hg19) VCF-style: chr18-29122551-G-A.
Other names: short protein forms M690I.
Identifiers: ClinVar variation 925355 (VCV000925355.4), dbSNP rs1408480908, ClinGen allele CA402141424.